The following is an entry in ClinVar:

ClinVar aggregate classification (germline): Likely pathogenic (1 of 4 stars; one submission).

Submission:

GeneDx
Classification: Likely pathogenic. Last evaluated: 2025-03-14. Review status: criteria provided, single submitter. Criteria: GeneDx Variant Classification Process June 2021. Collection method: clinical testing. Allele origin: germline. Affected: yes.
Comment: Not observed at significant frequency in large population cohorts (gnomAD); In silico analysis supports that this missense variant has a deleterious effect on protein structure/function; This variant is associated with the following publications: (PMID: 30582441, 38351237, 34328347)

NM_017617.5(NOTCH1):c.545G>A (p.Cys182Tyr)

Gene: NOTCH1 (notch receptor 1; minus strand). Cytogenetic location: 9q34.3.
Variant type: single nucleotide variant.
Coding change: c.545G>A on transcript NM_017617.5 (MANE Select); coding-DNA position 545, G replaced by A.
Protein change: p.Cys182Tyr; replaces cysteine 182 with tyrosine.
Molecular consequence: missense variant.
Genome position (GRCh38, 1-based): chr9:136,523,047, C>T on the plus strand (G>A on the coding strand, the complement: NOTCH1 is on the minus strand). VCF-style: chr9-136523047-C-T. GRCh37 (hg19) VCF-style: chr9-139417499-C-T.
Other names: short protein forms C182Y.
Identifiers: ClinVar variation 4083382 (VCV004083382.1).